The following is an entry in ClinVar:

NM_001127222.2(CACNA1A):c.682C>T (p.Gln228Ter)

Gene: CACNA1A (calcium voltage-gated channel subunit alpha1 A; minus strand). Cytogenetic location: 19p13.13.
Variant type: single nucleotide variant.
Coding change: c.682C>T on transcript NM_001127222.2 (MANE Select); coding-DNA position 682, C replaced by T.
Protein change: p.Gln228Ter; replaces glutamine 228 with a stop codon.
Molecular consequence: nonsense.
Genome position (GRCh38, 1-based): chr19:13,365,419, G>A on the plus strand (C>T on the coding strand, the complement: CACNA1A is on the minus strand). VCF-style: chr19-13365419-G-A. GRCh37 (hg19) VCF-style: chr19-13476233-G-A.
Other names: c.682C>T, p.Gln228Ter (NM_000068.4, NM_001127221.2, NM_001174080.2 and 1 more transcripts); short protein forms Q228*.
Identifiers: ClinVar variation 2017374 (VCV002017374.4), dbSNP rs2513175615, ClinGen allele CA404348590.

ClinVar aggregate classification (germline): Pathogenic (1 of 4 stars; one submission).

Conditions:
Episodic ataxia type 2 (EA2). Also called: ATAXIA, EPISODIC, WITH NYSTAGMUS; ATAXIA, FAMILIAL PAROXYSMAL; CEREBELLAR ATAXIA, PAROXYSMAL, ACETAZOLAMIDE-RESPONSIVE; CEREBELLOPATHY, HEREDITARY PAROXYSMAL; ACETAZOLAMIDE-RESPONSIVE HEREDITARY PAROXYSMAL CEREBELLAR ATAXIA; EPISODIC ATAXIA, NYSTAGMUS-ASSOCIATED. Identifiers: Orphanet 97, MedGen C1720416, MONDO:0007163, OMIM 108500.
Developmental and epileptic encephalopathy, 42 (DEE42A). Also called: Epileptic encephalopathy, early infantile, 42; DEVELOPMENTAL AND EPILEPTIC ENCEPHALOPATHY 42A; EPILEPTIC ENCEPHALOPATHY, EARLY INFANTILE, 42A. Identifiers: MedGen C4310716, MONDO:0014917, OMIM 617106.

Submission:

Labcorp Genetics (formerly Invitae), Labcorp
Classification: Pathogenic for Developmental and epileptic encephalopathy, 42; Episodic ataxia type 2. Last evaluated: 2022-07-23. Review status: criteria provided, single submitter. Criteria: Invitae Variant Classification Sherloc (09022015). Collection method: clinical testing. Allele origin: germline.
Comment: For these reasons, this variant has been classified as Pathogenic. This variant has not been reported in the literature in individuals affected with CACNA1A-related conditions. This variant is not present in population databases (gnomAD no frequency). This sequence change creates a premature translational stop signal (p.Gln228*) in the CACNA1A gene. It is expected to result in an absent or disrupted protein product. Loss-of-function variants in CACNA1A are known to be pathogenic (PMID: 10371528, 19486177, 25735478, 27250579).

Literature cited by the submitters: PubMed 10371528; PubMed 19486177; PubMed 25735478; PubMed 27250579.